The following is an entry in ClinVar:

ClinVar aggregate classification (germline): Uncertain significance (1 of 4 stars; one submission).

Conditions:
Glycogen storage disease, type II (IOPD). Also called: Pompe Disease; POMPE DISEASE, INFANTILE-ONSET; GLYCOGEN STORAGE DISEASE II, INFANTILE-ONSET; ACID ALPHA-GLUCOSIDASE DEFICIENCY, INFANTILE-ONSET; GAA DEFICIENCY, INFANTILE-ONSET; ACID MALTASE DEFICIENCY, INFANTILE-ONSET. Identifiers: Orphanet 365, MedGen C0017921, MONDO:0009290, OMIM 232300.

Submission:

Labcorp Genetics (formerly Invitae), Labcorp
Classification: Uncertain significance for Glycogen storage disease, type II. Last evaluated: 2025-01-22. Review status: criteria provided, single submitter. Criteria: Invitae Variant Classification Sherloc (09022015). Collection method: clinical testing. Allele origin: germline.
Comment: This sequence change replaces alanine, which is neutral and non-polar, with threonine, which is neutral and polar, at codon 70 of the GAA protein (p.Ala70Thr). This variant is not present in population databases (gnomAD no frequency). This variant has not been reported in the literature in individuals affected with GAA-related conditions. Invitae Evidence Modeling of protein sequence and biophysical properties (such as structural, functional, and spatial information, amino acid conservation, physicochemical variation, residue mobility, and thermodynamic stability) indicates that this missense variant is not expected to disrupt GAA protein function with a negative predictive value of 95%. In summary, the available evidence is currently insufficient to determine the role of this variant in disease. Therefore, it has been classified as a Variant of Uncertain Significance.

NM_000152.5(GAA):c.208G>A (p.Ala70Thr)

Gene: GAA (alpha glucosidase; plus strand). Cytogenetic location: 17q25.3.
Variant type: single nucleotide variant.
Coding change: c.208G>A on transcript NM_000152.5 (MANE Select); coding-DNA position 208, G replaced by A.
Protein change: p.Ala70Thr; replaces alanine 70 with threonine.
Molecular consequence: missense variant.
Genome position (GRCh38, 1-based): chr17:80,104,794, G>A. VCF-style: chr17-80104794-G-A. GRCh37 (hg19) VCF-style: chr17-78078593-G-A.
Other names: c.208G>A, p.Ala70Thr (NM_001079803.3, NM_001079804.3, NM_001406741.1 and 1 more transcripts); short protein forms A70T.
Identifiers: ClinVar variation 3720711 (VCV003720711.2).